The following is an entry in ClinVar:

ClinVar aggregate classification (germline): Uncertain significance. Review status: criteria provided, multiple submitters, no conflicts (2 of 4 stars). 2 submissions from 2 submitters: Uncertain significance (2). Last evaluated 2024-09-19.

Conditions:
Inborn genetic diseases. Identifiers: MedGen C0950123, MeSH D030342.
Fanconi anemia complementation group R. Identifiers: MedGen C4284093, MONDO:0014986, OMIM 617244.

Submissions (2):

Ambry Genetics
Classification: Uncertain significance for Inborn genetic diseases. Last evaluated: 2024-09-19. Review status: criteria provided, single submitter. Criteria: Ambry Variant Classification Scheme 2023. Collection method: clinical testing. Allele origin: germline.
Comment: The p.Q114E variant (also known as c.340C>G), located in coding exon 3 of the RAD51 gene, results from a C to G substitution at nucleotide position 340. The glutamine at codon 114 is replaced by glutamic acid, an amino acid with highly similar properties. This amino acid position is conserved. In addition, the in silico prediction for this alteration is inconclusive. Based on the available evidence, the clinical significance of this variant remains unclear.

Victorian Clinical Genetics Services, Murdoch Childrens Research Institute
Classification: Uncertain significance for Fanconi anemia complementation group R. Last evaluated: 2022-02-02. Review status: criteria provided, single submitter. Criteria: ACMG Guidelines, 2015. Collection method: clinical testing. Allele origin: germline. Inheritance: Autosomal dominant inheritance. Affected: yes.
Comment: Based on the classification scheme VCGS_Germline_v1.3.4, this variant is classified as VUS-3A. Following criteria are met: 0103 - Dominant negative and loss of function are known mechanisms of disease in this gene and are associated with complementation group R Fanconi anaemia (MIM#617244) and mirror movements 2 (MIM#614508). Dominant negative variants are associated with Fanconi anaemia, while loss of function variants are associated with mirror movements 2 (OMIM, PMID: 26681308). (I) 0107 - This gene is associated with autosomal dominant disease. (I) 0200 - Variant is predicted to result in a missense amino acid change from glutamine to glutamic acid. (I) 0251 - This variant is heterozygous. (I) 0301 - Variant is absent from gnomAD (both v2 and v3). (SP) 0503 - Missense variant consistently predicted to be tolerated by multiple in silico tools or not conserved in placental mammals with a minor amino acid change. (SB) 0600 - Variant is located in the annotated RAD51 domain (Pfam). (I) 0705 - No comparable missense variants have previous evidence for pathogenicity. (I) 0807 - This variant has no previous evidence of pathogenicity. (I) 0905 - No published segregation evidence has been identified for this variant. (I) 1007 - No published functional evidence has been identified for this variant. (SP) Legend: (SP) - Supporting pathogenic, (I) - Information, (SB) - Supporting benign

Literature cited by the submitters: PubMed 26681308 (cited by Victorian Clinical Genetics Services, Murdoch Childrens Research Institute).

NM_002875.5(RAD51):c.340C>G (p.Gln114Glu)

Gene: RAD51 (RAD51 recombinase; plus strand). Cytogenetic location: 15q15.1.
Variant type: single nucleotide variant.
Coding change: c.340C>G on transcript NM_002875.5 (MANE Select); coding-DNA position 340, C replaced by G.
Protein change: p.Gln114Glu; replaces glutamine 114 with glutamic acid.
Molecular consequence: missense variant. On other transcripts: intron variant (2).
Genome position (GRCh38, 1-based): chr15:40,706,291, C>G. VCF-style: chr15-40706291-C-G. GRCh37 (hg19) VCF-style: chr15-40998489-C-G.
Other names: c.340C>G, p.Gln114Glu (NM_001164270.2); c.347-2734C>G (NM_133487.4, NM_001164269.2); short protein forms Q114E.
Identifiers: ClinVar variation 2500738 (VCV002500738.3), dbSNP rs2504437062, ClinGen allele CA391750033.